The following is an entry in ClinVar:

ClinVar aggregate classification (germline): Uncertain significance (1 of 4 stars; one submission).

Conditions:
Spastic paraplegia. Identifiers: MedGen C0037772, HP:0001258.

Allele frequency attached by ClinVar (database versions not stated): gnomAD exomes below 0.00001; ExAC 0.00001; gnomAD 0.00005; TOPMed 0.00005; ESP Exome Variant Server 0.00015.

Submission:

Labcorp Genetics (formerly Invitae), Labcorp
Classification: Uncertain significance for Spastic paraplegia. Last evaluated: 2022-10-25. Review status: criteria provided, single submitter. Criteria: Invitae Variant Classification Sherloc (09022015). Collection method: clinical testing. Allele origin: germline.
Comment: This sequence change replaces valine, which is neutral and non-polar, with glycine, which is neutral and non-polar, at codon 261 of the AP4E1 protein (p.Val261Gly). This variant is present in population databases (rs370062747, gnomAD 0.02%). This variant has not been reported in the literature in individuals affected with AP4E1-related conditions. Algorithms developed to predict the effect of missense changes on protein structure and function are either unavailable or do not agree on the potential impact of this missense change (SIFT: "Deleterious"; PolyPhen-2: "Benign"; Align-GVGD: "Class C0"). In summary, the available evidence is currently insufficient to determine the role of this variant in disease. Therefore, it has been classified as a Variant of Uncertain Significance.

NM_007347.5(AP4E1):c.782T>G (p.Val261Gly)

Gene: AP4E1 (adaptor related protein complex 4 subunit epsilon 1; plus strand). Cytogenetic location: 15q21.2.
Variant type: single nucleotide variant.
Coding change: c.782T>G on transcript NM_007347.5 (MANE Select); coding-DNA position 782, T replaced by G.
Protein change: p.Val261Gly; replaces valine 261 with glycine.
Molecular consequence: missense variant.
Genome position (GRCh38, 1-based): chr15:50,930,884, T>G. VCF-style: chr15-50930884-T-G. GRCh37 (hg19) VCF-style: chr15-51223081-T-G.
Other names: c.557T>G, p.Val186Gly (NM_001252127.2); short protein forms V261G, V186G.
Identifiers: ClinVar variation 2170190 (VCV002170190.1), dbSNP rs370062747, ClinGen allele CA7558877.
Genomic context (GRCh38, chr15:50,930,884, plus strand): 5'-AAGACTTGACTGGGAGTTTTGTAACCATTTTGAAGCAAGTAGTTGGAGGAAAGCTCCCAG[T>G]AGAATTCAATTACCACAGTGTGCCAGCACCATGGTTACAAATTCAGCTCTTGAGAATACT-3'
Protein context (NP_031373.2, residues 251-271): LKQVVGGKLP[Val261Gly]EFNYHSVPAP